The following is an entry in ClinVar:

ClinVar aggregate classification (germline): Uncertain significance. Review status: criteria provided, multiple submitters, no conflicts (2 of 4 stars). 3 submissions from 3 submitters: Uncertain significance (2). 1 of the submissions does not count toward it. Last evaluated 2022-06-17.

Conditions:
Zellweger spectrum disorders (ZS). Also called: Zellweger Spectrum Disorder (ZSD); Zellweger Spectrum Disorder; Zellweger Spectrum; Zellweger syndrome. Identifiers: Orphanet 912, MedGen C0043459, MONDO:0019609.

Allele frequency attached by ClinVar (database versions not stated): gnomAD 0.00001; gnomAD exomes 0.00001 and 0.00002; TOPMed 0.00001; ExAC 0.00002.
gnomAD v4.1: 8 of 1,613,954 alleles (0.0005%); highest among the groups gnomAD compares: Admixed American, 0.012%; no homozygotes.

Submissions (3):

Labcorp Genetics (formerly Invitae), Labcorp
Classification: Uncertain significance for Zellweger spectrum disorders. Last evaluated: 2022-06-17. Review status: criteria provided, single submitter. Criteria: Invitae Variant Classification Sherloc (09022015). Collection method: clinical testing. Allele origin: germline.
Comment: This sequence change replaces asparagine, which is neutral and polar, with isoleucine, which is neutral and non-polar, at codon 88 of the PEX1 protein (p.Asn88Ile). This variant is present in population databases (rs763218526, gnomAD 0.02%). This variant has not been reported in the literature in individuals affected with PEX1-related conditions. ClinVar contains an entry for this variant (Variation ID: 1018391). Advanced modeling of protein sequence and biophysical properties (such as structural, functional, and spatial information, amino acid conservation, physicochemical variation, residue mobility, and thermodynamic stability) performed at Invitae indicates that this missense variant is not expected to disrupt PEX1 protein function. In summary, the available evidence is currently insufficient to determine the role of this variant in disease. Therefore, it has been classified as a Variant of Uncertain Significance.

Blueprint Genetics
Classification: Uncertain significance. Last evaluated: 2022-01-26. Review status: criteria provided, single submitter. Criteria: ACMG Guidelines, 2015. Collection method: clinical testing. Allele origin: germline.

Natera, Inc.
Classification: Uncertain significance for Zellweger syndrome. Last evaluated: 2020-08-06. Review status: no assertion criteria provided. Collection method: clinical testing. Allele origin: germline. Not counted in ClinVar's aggregate classification.

NM_000466.3(PEX1):c.263A>T (p.Asn88Ile)

Gene: PEX1 (peroxisomal biogenesis factor 1; minus strand). Cytogenetic location: 7q21.2.
Variant type: single nucleotide variant.
Coding change: c.263A>T on transcript NM_000466.3 (MANE Select); coding-DNA position 263, A replaced by T.
Protein change: p.Asn88Ile; replaces asparagine 88 with isoleucine.
Molecular consequence: missense variant. On other transcripts: 5 prime UTR variant (1).
Genome position (GRCh38, 1-based): chr7:92,522,112, T>A on the plus strand (A>T on the coding strand, the complement: PEX1 is on the minus strand). VCF-style: chr7-92522112-T-A. GRCh37 (hg19) VCF-style: chr7-92151426-T-A.
Other names: c.263A>T, p.Asn88Ile (NM_001282677.2); c.-397A>T (NM_001282678.2); short protein forms N88I.
Identifiers: ClinVar variation 1018391 (VCV001018391.9), dbSNP rs763218526, ClinGen allele CA4341664.